The following is an entry in ClinVar:

ClinVar aggregate classification (germline): Benign (0 of 4 stars; one submission).

Conditions:
DNAH17-related disorder. Also called: DNAH17-related condition.

Allele frequency attached by ClinVar (database versions not stated): gnomAD exomes 0.00097; ExAC 0.00341; 1000 Genomes Project 0.00839; 1000 Genomes Project 30x 0.00921; gnomAD 0.01055; ESP Exome Variant Server 0.01235; TOPMed 0.01237.
gnomAD v4.1: 3,088 of 1,611,248 alleles (0.19%); highest among the groups gnomAD compares: African/African-American, 3.7%; 63 homozygotes.

Submission:

PreventionGenetics, part of Exact Sciences
Classification: Benign for DNAH17-related condition. Last evaluated: 2019-04-01. Review status: no assertion criteria provided. Collection method: clinical testing. Allele origin: germline.
Comment: This variant is classified as benign based on ACMG/AMP sequence variant interpretation guidelines (Richards et al. 2015 PMID: 25741868, with internal and published modifications).

NM_173628.4(DNAH17):c.3093C>T (p.Thr1031=)

Genes: DNAH17 (dynein axonemal heavy chain 17; minus strand), LOC126862656 (MED14-independent group 3 enhancer GRCh37_chr17:76528450-76529649; plus strand). Cytogenetic location: 17q25.3.
Variant type: single nucleotide variant.
Coding change: c.3093C>T on transcript NM_173628.4 (MANE Select); coding-DNA position 3093, C replaced by T.
Protein change: p.Thr1031=; no amino-acid change (threonine 1031 retained).
Molecular consequence: synonymous variant.
Genome position (GRCh38, 1-based): chr17:78,532,503, G>A on the plus strand (C>T on the coding strand, the complement: DNAH17 is on the minus strand). VCF-style: chr17-78532503-G-A. GRCh37 (hg19) VCF-style: chr17-76528585-G-A.
Identifiers: ClinVar variation 3035783 (VCV003035783.2), dbSNP rs61741264, ClinGen allele CA8804386.